The following is an entry in ClinVar:

NM_004004.6(GJB2):c.157T>C (p.Cys53Arg)

Gene: GJB2 (gap junction protein beta 2; minus strand). Cytogenetic location: 13q12.11.
Variant type: single nucleotide variant.
Coding change: c.157T>C on transcript NM_004004.6 (MANE Select); coding-DNA position 157, T replaced by C.
Protein change: p.Cys53Arg; replaces cysteine 53 with arginine.
Molecular consequence: missense variant.
Genome position (GRCh38, 1-based): chr13:20,189,425, A>G on the plus strand (T>C on the coding strand, the complement: GJB2 is on the minus strand). VCF-style: chr13-20189425-A-G. GRCh37 (hg19) VCF-style: chr13-20763564-A-G.
Other names: short protein forms C53R.
Identifiers: ClinVar variation 552416 (VCV000552416.3), dbSNP rs1555341986, ClinGen allele CA387461766.

ClinVar aggregate classification (germline): Uncertain significance. Review status: criteria provided, single submitter (1 of 4 stars). 2 submissions from 2 submitters: Uncertain significance (1). 1 of the submissions does not count toward it. Last evaluated 2025-05-29.

Conditions:
Autosomal recessive nonsyndromic hearing loss 1A (DFNB1A). Also called: GJB6-Related DFNB 1 Nonsyndromic Hearing Loss and Deafness; Deafness, autosomal recessive 1A; Connexin 26 deafness; Deafness nonsyndromic, Connexin 26 linked; GJB2-Related Autosomal Recessive Nonsyndromic Hearing Loss; Nonsyndromic Hearing Loss and Deafness, DFNB1. Identifiers: Orphanet 90636, MedGen C2673759, MONDO:0009076, OMIM 220290.

Allele frequency attached by ClinVar (database versions not stated): gnomAD exomes 0.00001.
gnomAD v4.1: 6 of 1,612,482 alleles (0.00037%); highest among the groups gnomAD compares: Non-Finnish European, 0.00051%; no homozygotes.

Submissions (2):

Women's Health and Genetics/Laboratory Corporation of America, LabCorp
Classification: Uncertain significance. Last evaluated: 2025-05-29. Review status: criteria provided, single submitter. Criteria: LabCorp Variant Classification Summary - May 2015. Collection method: clinical testing. Allele origin: germline.
Comment: Variant summary: GJB2 c.157T>C (p.Cys53Arg) results in a non-conservative amino acid change in the encoded protein sequence. Algorithms developed to predict the effect of missense changes on protein structure and function all suggest that this variant is likely to be disruptive. The variant was absent in 251004 control chromosomes. c.157T>C has been observed in the compound heterozygous state in individuals affected with Non-Syndromic Hearing Loss (Dahl_2001). These data indicate that the variant may be associated with disease. To our knowledge, no experimental evidence demonstrating an impact on protein function has been reported. The following publication have been ascertained in the context of this evaluation (PMID: 11587277). ClinVar contains an entry for this variant (Variation ID: 552416). Based on the evidence outlined above, the variant was classified as VUS-possibly pathogenic.

Counsyl
Classification: Uncertain significance for Autosomal recessive nonsyndromic hearing loss 1A. Last evaluated: 2017-06-09. Review status: no assertion criteria provided. Collection method: clinical testing. Allele origin: unknown. Not counted in ClinVar's aggregate classification.

Literature cited by the submitters: PubMed 11587277 (cited by Women's Health and Genetics/Laboratory Corporation of America, LabCorp and Counsyl); PubMed 25388846 (cited by Counsyl).